The following is an entry in ClinVar:

NM_001365480.1(CCDC88A):c.1324C>T (p.Leu442Phe)

Gene: CCDC88A (coiled-coil and HOOK domain protein 88A; minus strand). Cytogenetic location: 2p16.1.
Variant type: single nucleotide variant.
Coding change: c.1324C>T on transcript NM_001365480.1 (MANE Select); coding-DNA position 1324, C replaced by T.
Protein change: p.Leu442Phe; replaces leucine 442 with phenylalanine.
Molecular consequence: missense variant.
Genome position (GRCh38, 1-based): chr2:55,343,657, G>A on the plus strand (C>T on the coding strand, the complement: CCDC88A is on the minus strand). VCF-style: chr2-55343657-G-A. GRCh37 (hg19) VCF-style: chr2-55570793-G-A.
Other names: c.1324C>T, p.Leu442Phe (NM_001135597.2, NM_001254943.2, NM_018084.5); short protein forms L442F.
Identifiers: ClinVar variation 1482019 (VCV001482019.6), dbSNP rs1303310073, ClinGen allele CA346905340.

ClinVar aggregate classification (germline): Uncertain significance (1 of 4 stars; one submission).

Submission:

Labcorp Genetics (formerly Invitae), Labcorp
Classification: Uncertain significance. Last evaluated: 2021-09-07. Review status: criteria provided, single submitter. Criteria: Invitae Variant Classification Sherloc (09022015). Collection method: clinical testing. Allele origin: germline.
Comment: This sequence change replaces leucine with phenylalanine at codon 442 of the CCDC88A protein (p.Leu442Phe). The leucine residue is moderately conserved and there is a small physicochemical difference between leucine and phenylalanine. This variant is not present in population databases (ExAC no frequency). This variant has not been reported in the literature in individuals affected with CCDC88A-related conditions. Algorithms developed to predict the effect of missense changes on protein structure and function (SIFT, PolyPhen-2, Align-GVGD) all suggest that this variant is likely to be tolerated. In summary, the available evidence is currently insufficient to determine the role of this variant in disease. Therefore, it has been classified as a Variant of Uncertain Significance.